The following is an entry in ClinVar:

NM_001166108.2(PALLD):c.2719C>T (p.Pro907Ser)

Genes: CBR4 (carbonyl reductase 4; minus strand), PALLD (palladin, cytoskeletal associated protein; plus strand). Cytogenetic location: 4q32.3.
Variant type: single nucleotide variant.
Coding change: c.2719C>T on transcript NM_001166108.2 (MANE Select); coding-DNA position 2719, C replaced by T.
Protein change: p.Pro907Ser; replaces proline 907 with serine.
Molecular consequence: missense variant.
Genome position (GRCh38, 1-based): chr4:168,915,896, C>T. VCF-style: chr4-168915896-C-T. GRCh37 (hg19) VCF-style: chr4-169837047-C-T.
Other names: c.1522C>T, p.Pro508Ser (NM_001166109.2); c.1207C>T, p.Pro403Ser (NM_001166110.2); c.547C>T, p.Pro183Ser (NM_001367567.1, NM_001367569.1); c.598C>T, p.Pro200Ser (NM_001367568.1, NM_001367570.1); c.2668C>T, p.Pro890Ser (NM_016081.4); short protein forms P403S, P890S, P183S, P508S, P907S, P200S.
Identifiers: ClinVar variation 3304051 (VCV003304051.1).

ClinVar aggregate classification (germline): Uncertain significance (1 of 4 stars; one submission).

Submission:

Ambry Genetics
Classification: Uncertain significance. Last evaluated: 2024-04-01. Review status: criteria provided, single submitter. Criteria: Ambry Variant Classification Scheme 2023. Collection method: clinical testing. Allele origin: germline.
Comment: The p.P890S variant (also known as c.2668C>T), located in coding exon 15 of the PALLD gene, results from a C to T substitution at nucleotide position 2668. The proline at codon 890 is replaced by serine, an amino acid with similar properties. This amino acid position is conserved. In addition, this alteration is predicted to be tolerated by in silico analysis. Based on the available evidence, the clinical significance of this alteration remains unclear.